The following is an entry in ClinVar:

ClinVar aggregate classification (germline): Uncertain significance (1 of 4 stars; one submission).

Allele frequency attached by ClinVar (database versions not stated): ExAC 0.00001; gnomAD exomes 0.00001.
gnomAD v4.1: 4 of 1,614,190 alleles (0.00025%); highest among the groups gnomAD compares: Admixed American, 0.0033%; no homozygotes.

Submission:

Labcorp Genetics (formerly Invitae), Labcorp
Classification: Uncertain significance. Last evaluated: 2023-08-17. Review status: criteria provided, single submitter. Criteria: Invitae Variant Classification Sherloc (09022015). Collection method: clinical testing. Allele origin: germline.
Comment: This variant has not been reported in the literature in individuals affected with DHX37-related conditions. This variant is present in population databases (rs774968908, gnomAD 0.003%). This sequence change replaces alanine, which is neutral and non-polar, with threonine, which is neutral and polar, at codon 663 of the DHX37 protein (p.Ala663Thr). Advanced modeling of protein sequence and biophysical properties (such as structural, functional, and spatial information, amino acid conservation, physicochemical variation, residue mobility, and thermodynamic stability) performed at Invitae indicates that this missense variant is expected to disrupt DHX37 protein function. In summary, the available evidence is currently insufficient to determine the role of this variant in disease. Therefore, it has been classified as a Variant of Uncertain Significance.

NM_032656.4(DHX37):c.1987G>A (p.Ala663Thr)

Gene: DHX37 (DEAH-box helicase 37; minus strand). Cytogenetic location: 12q24.31.
Variant type: single nucleotide variant.
Coding change: c.1987G>A on transcript NM_032656.4 (MANE Select); coding-DNA position 1987, G replaced by A.
Protein change: p.Ala663Thr; replaces alanine 663 with threonine.
Molecular consequence: missense variant.
Genome position (GRCh38, 1-based): chr12:124,964,452, C>T on the plus strand (G>A on the coding strand, the complement: DHX37 is on the minus strand). VCF-style: chr12-124964452-C-T. GRCh37 (hg19) VCF-style: chr12-125448998-C-T.
Other names: short protein forms A663T.
Identifiers: ClinVar variation 2805945 (VCV002805945.3), dbSNP rs774968908, ClinGen allele CA6871814.